The following is an entry in ClinVar:

NM_004329.3(BMPR1A):c.978G>A (p.Leu326=)

Gene: BMPR1A (bone morphogenetic protein receptor type 1A; plus strand). Cytogenetic location: 10q23.2.
Variant type: single nucleotide variant.
Coding change: c.978G>A on transcript NM_004329.3 (MANE Select); coding-DNA position 978, G replaced by A.
Protein change: p.Leu326=; no amino-acid change (leucine 326 retained).
Molecular consequence: synonymous variant. On other transcripts: non-coding transcript variant (3).
Genome position (GRCh38, 1-based): chr10:86,919,281, G>A. VCF-style: chr10-86919281-G-A. GRCh37 (hg19) VCF-style: chr10-88679038-G-A.
Other names: c.1053G>A, p.Leu351= (NM_001406559.1); c.1026G>A, p.Leu342= (NM_001406560.1); c.978G>A, p.Leu326= (NM_001406561.1, NM_001406562.1, NM_001406563.1 and 19 more transcripts); c.972G>A, p.Leu324= (NM_001406583.1); c.894G>A, p.Leu298= (NM_001406584.1, NM_001406585.1, NM_001406586.1 and 2 more transcripts); c.636G>A, p.Leu212= (NM_001406589.1).
Identifiers: ClinVar variation 1768203 (VCV001768203.7), dbSNP rs761040138, ClinGen allele CA5585635.

ClinVar aggregate classification (germline): Benign/Likely benign. Review status: criteria provided, multiple submitters, no conflicts (2 of 4 stars). 4 submissions from 4 submitters: Benign (1); Likely benign (3). Last evaluated 2025-05-30.

Conditions:
Hereditary cancer-predisposing syndrome. Also called: Tumor predisposition; Neoplastic Syndromes, Hereditary; Hereditary Cancer Syndrome; Hereditary neoplastic syndrome. Identifiers: Orphanet 140162, MedGen C0027672, MeSH D009386, MONDO:0015356.
Juvenile polyposis syndrome (JPS). Identifiers: Orphanet 2929, MedGen C0345893, MONDO:0017380, OMIM 174900.

Allele frequency attached by ClinVar (database versions not stated): ExAC 0.00001.

Submissions (4):

Color Diagnostics, LLC DBA Color Health
Classification: Likely benign for Hereditary cancer-predisposing syndrome. Last evaluated: 2025-05-30. Review status: criteria provided, single submitter. Criteria: ACMG Guidelines, 2015. Collection method: clinical testing. Allele origin: germline.

Myriad Genetics, Inc.
Classification: Benign for Juvenile polyposis syndrome. Last evaluated: 2024-08-05. Review status: criteria provided, single submitter. Criteria: Myriad Autosomal Dominant, Autosomal Recessive and X-Linked Classification Criteria (2023). Collection method: clinical testing. Allele origin: unknown.
Comment: This variant is considered benign. This variant is a silent/synonymous amino acid change and it is not expected to impact splicing.

Labcorp Genetics (formerly Invitae), Labcorp
Classification: Likely benign for Juvenile polyposis syndrome. Last evaluated: 2024-03-19. Review status: criteria provided, single submitter. Criteria: Invitae Variant Classification Sherloc (09022015). Collection method: clinical testing. Allele origin: germline.

Ambry Genetics
Classification: Likely benign for Hereditary cancer-predisposing syndrome. Last evaluated: 2021-10-03. Review status: criteria provided, single submitter. Criteria: Ambry Variant Classification Scheme 2023. Collection method: clinical testing. Allele origin: germline.